The following is an entry in ClinVar:

NM_000179.3(MSH6):c.1950C>G (p.Gly650=)

Gene: MSH6 (mutS homolog 6; plus strand). Cytogenetic location: 2p16.3.
Variant type: single nucleotide variant.
Coding change: c.1950C>G on transcript NM_000179.3 (MANE Select); coding-DNA position 1950, C replaced by G.
Protein change: p.Gly650=; no amino-acid change (glycine 650 retained).
Molecular consequence: synonymous variant.
Genome position (GRCh38, 1-based): chr2:47,799,933, C>G. VCF-style: chr2-47799933-C-G. GRCh37 (hg19) VCF-style: chr2-48027072-C-G.
Other names: c.1560C>G, p.Gly520= (NM_001281492.2); c.1044C>G, p.Gly348= (NM_001281493.2, NM_001281494.2).
Identifiers: ClinVar variation 631014 (VCV000631014.14), dbSNP rs747380250, ClinGen allele CA426121351.

ClinVar aggregate classification (germline): Benign/Likely benign. Review status: criteria provided, multiple submitters, no conflicts (2 of 4 stars). 4 submissions from 4 submitters: Benign (1); Likely benign (3). Last evaluated 2025-09-12.

Conditions:
Hereditary nonpolyposis colorectal neoplasms. Identifiers: MedGen C0009405, MeSH D003123.
Lynch syndrome 5 (LYNCH5). Also called: Hereditary non-polyposis colorectal cancer, type 5; Colorectal cancer, hereditary nonpolyposis, type 5. Identifiers: Orphanet 144, MedGen C1833477, MONDO:0013710, OMIM 614350. Disease mechanism: loss of function.
Hereditary cancer-predisposing syndrome. Also called: Tumor predisposition; Neoplastic Syndromes, Hereditary; Hereditary neoplastic syndrome; Hereditary Cancer Syndrome. Identifiers: Orphanet 140162, MedGen C0027672, MeSH D009386, MONDO:0015356.

Submissions (4):

Labcorp Genetics (formerly Invitae), Labcorp
Classification: Likely benign for Hereditary nonpolyposis colorectal neoplasms. Last evaluated: 2025-09-12. Review status: criteria provided, single submitter. Criteria: Invitae Variant Classification Sherloc (09022015). Collection method: clinical testing. Allele origin: germline.

Myriad Genetics, Inc.
Classification: Benign for Lynch syndrome 5. Last evaluated: 2024-12-30. Review status: criteria provided, single submitter. Criteria: Myriad Autosomal Dominant, Autosomal Recessive and X-Linked Classification Criteria (2023). Collection method: clinical testing. Allele origin: unknown.
Comment: This variant is considered benign. This variant is a silent/synonymous amino acid change and it is not expected to impact splicing.

Ambry Genetics
Classification: Likely benign for Hereditary cancer-predisposing syndrome. Last evaluated: 2021-07-09. Review status: criteria provided, single submitter. Criteria: Ambry Variant Classification Scheme 2023. Collection method: clinical testing. Allele origin: germline.

Color Diagnostics, LLC DBA Color Health
Classification: Likely benign for Hereditary cancer-predisposing syndrome. Last evaluated: 2017-12-11. Review status: criteria provided, single submitter. Criteria: ACMG Guidelines, 2015. Collection method: clinical testing. Allele origin: germline.